The following is an entry in ClinVar:

NM_001254.4(CDC6):c.26A>G (p.Gln9Arg)

Gene: CDC6 (cell division cycle 6; plus strand). Cytogenetic location: 17q21.2.
Variant type: single nucleotide variant.
Coding change: c.26A>G on transcript NM_001254.4 (MANE Select); coding-DNA position 26, A replaced by G.
Protein change: p.Gln9Arg; replaces glutamine 9 with arginine.
Molecular consequence: missense variant.
Genome position (GRCh38, 1-based): chr17:40,289,446, A>G. VCF-style: chr17-40289446-A-G. GRCh37 (hg19) VCF-style: chr17-38445698-A-G.
Other names: short protein forms Q9R.
Identifiers: ClinVar variation 1992747 (VCV001992747.4), dbSNP rs2544130816, ClinGen allele CA399324638.

ClinVar aggregate classification (germline): Uncertain significance (1 of 4 stars; one submission).

Allele frequency attached by ClinVar (database versions not stated): gnomAD exomes 0.00001.
gnomAD v4.1: 8 of 1,614,018 alleles (0.0005%); highest among the groups gnomAD compares: Non-Finnish European, 0.00068%; no homozygotes.

Submission:

Labcorp Genetics (formerly Invitae), Labcorp
Classification: Uncertain significance. Last evaluated: 2022-10-07. Review status: criteria provided, single submitter. Criteria: Invitae Variant Classification Sherloc (09022015). Collection method: clinical testing. Allele origin: germline.
Comment: Algorithms developed to predict the effect of missense changes on protein structure and function are either unavailable or do not agree on the potential impact of this missense change (SIFT: "Tolerated"; PolyPhen-2: "Probably Damaging"; Align-GVGD: "Class C0"). This sequence change replaces glutamine, which is neutral and polar, with arginine, which is basic and polar, at codon 9 of the CDC6 protein (p.Gln9Arg). This variant is not present in population databases (gnomAD no frequency). This variant has not been reported in the literature in individuals affected with CDC6-related conditions. In summary, the available evidence is currently insufficient to determine the role of this variant in disease. Therefore, it has been classified as a Variant of Uncertain Significance.